The following is an entry in ClinVar:

ClinVar aggregate classification (germline): Uncertain significance (1 of 4 stars; one submission).

Conditions:
BAP1-related tumor predisposition syndrome (TPDS1). Also called: BAP1 tumor predisposition syndrome; TUMOR PREDISPOSITION SYNDROME 1; COMMON Syndrome; Tumor susceptibility linked to germline BAP1 mutations. Identifiers: Orphanet 289539, MedGen C3280492, MONDO:0013692, OMIM 614327.

Submission:

Labcorp Genetics (formerly Invitae), Labcorp
Classification: Uncertain significance for BAP1-related tumor predisposition syndrome. Last evaluated: 2021-09-16. Review status: criteria provided, single submitter. Criteria: Invitae Variant Classification Sherloc (09022015). Collection method: clinical testing. Allele origin: germline.
Comment: This variant results in a copy number gain of the genomic region encompassing exon(s) 10-17 of the BAP1 gene. This region includes the termination codon of the gene. This copy number gain extends beyond the assayed region for this gene and therefore may encompass additional genes. As the precise location of this event is unknown, it may be in tandem or it may be located elsewhere in the genome. A similar copy number variant has been observed in individual(s) with prostate cancer (PMID: 26556299). Experimental studies and prediction algorithms are not available or were not evaluated, and the functional significance of this variant is currently unknown. In summary, the available evidence is currently insufficient to determine the role of this variant in disease. Therefore, it has been classified as a Variant of Uncertain Significance.

Literature cited by the submitters: PubMed 26556299.

NC_000003.11:g.(?_52436304)_(52439938_?)dup

Gene: BAP1 (BRCA1 associated deubiquitinase 1; minus strand). Cytogenetic location: 3p21.1.
Variant type: Duplication.
Identifiers: ClinVar variation 999789 (VCV000999789.8).